The following is an entry in ClinVar:

NM_000038.6(APC):c.6918T>A (p.Asp2306Glu)

Gene: APC (APC regulator of Wnt signaling pathway; plus strand). Cytogenetic location: 5q22.2.
Variant type: single nucleotide variant.
Coding change: c.6918T>A on transcript NM_000038.6 (MANE Select); coding-DNA position 6918, T replaced by A.
Protein change: p.Asp2306Glu; replaces aspartic acid 2306 with glutamic acid.
Molecular consequence: missense variant.
Genome position (GRCh38, 1-based): chr5:112,842,512, T>A. VCF-style: chr5-112842512-T-A. GRCh37 (hg19) VCF-style: chr5-112178209-T-A.
Other names: c.6918T>A, p.Asp2306Glu (NM_001127510.3, NM_001354895.2); c.6864T>A, p.Asp2288Glu (NM_001127511.3); c.6972T>A, p.Asp2324Glu (NM_001354896.2); c.6948T>A, p.Asp2316Glu (NM_001354897.2); c.6843T>A, p.Asp2281Glu (NM_001354898.2); c.6834T>A, p.Asp2278Glu (NM_001354899.2); c.6795T>A, p.Asp2265Glu (NM_001354900.2); c.6741T>A, p.Asp2247Glu (NM_001354901.2); and 5 more; short protein forms D2306E, D2288E, D2278E, D2324E, D2265E, D2281E, D2316E, D2023E.
Identifiers: ClinVar variation 411524 (VCV000411524.34), dbSNP rs1060503350, ClinGen allele CA16036422.

ClinVar aggregate classification (germline): Conflicting classifications of pathogenicity. Review status: criteria provided, conflicting classifications (1 of 4 stars). 12 submissions from 12 submitters: Uncertain significance (11); Likely benign (1). Last evaluated 2026-10-01.

Conditions:
Classic or attenuated familial adenomatous polyposis. Identifiers: MedGen CN372698, MONDO:0021057.
Gastric adenocarcinoma and proximal polyposis of the stomach (GAPPS). Also called: POLYPOSIS, GASTRIC; Gastric Adenocarcinoma and Proximal Polyposis of the Stomach (GAPPS); Polyposis, gastric, Dos Santos and de Magalhaes 1980. Identifiers: Orphanet 314022, MedGen C4749917, MONDO:0017790, OMIM 619182.
Gastric cancer. Also called: Stomach cancer; Malignant tumor of stomach. Identifiers: MedGen C0024623, MeSH D013274, MONDO:0001056, OMIM 613659, HP:0012126.
Hepatocellular carcinoma (HCC). Also called: Primary carcinoma of liver; HEPATOMA; LIVER CELL CARCINOMA. Identifiers: Orphanet 88673, MedGen C2239176, MONDO:0007256, OMIM 114550, HP:0001402.
Familial adenomatous polyposis 1 (FAP1). Also called: FAMILIAL ADENOMATOUS POLYPOSIS 1, ATTENUATED; POLYPOSIS, ADENOMATOUS INTESTINAL. Identifiers: MedGen C2713442, MONDO:0021056, OMIM 175100. Disease mechanism: loss of function.
Colorectal cancer. Also called: Malignant Colorectal Neoplasm; Colorectal cancer, somatic. Identifiers: MedGen C0346629, MONDO:0005575, OMIM 114500.
Desmoid disease, hereditary (DESMD). Also called: FIBROMATOSIS, FAMILIAL INFILTRATIVE. Identifiers: Orphanet 873, MedGen C1851124, OMIM 135290. Disease mechanism: loss of function.
Hereditary cancer-predisposing syndrome. Also called: Hereditary neoplastic syndrome; Neoplastic Syndromes, Hereditary; Hereditary Cancer Syndrome; Tumor predisposition. Identifiers: Orphanet 140162, MedGen C0027672, MeSH D009386, MONDO:0015356.
APC-related disorder. Also called: APC-related condition.

Allele frequency attached by ClinVar (database versions not stated): gnomAD exomes below 0.00001; TOPMed 0.00001.
gnomAD v4.1: 3 of 1,614,072 alleles (0.00019%); highest among the groups gnomAD compares: Admixed American, 0.005%; no homozygotes.

Submissions (12):

St. Jude Molecular Pathology, St. Jude Children's Research Hospital
Classification: Uncertain significance for Familial adenomatous polyposis 1. Last evaluated: 2026-10-01. Review status: criteria provided, single submitter. Criteria: St. Jude Assertion Criteria 2020. Collection method: clinical testing. Allele origin: germline.
Comment: The APC c.6918T>A p.(Asp2306Glu) missense change has a maximum subpopulation frequency of 0.003% in gnomAD v2.1.1. The in silico tool REVEL is inconclusive about a pathogenic or benign effect of this variant on protein function, and to our knowledge functional studies hav e not been performed. To our knowledge, this variant has not been reported in the literature in individuals with APC-related disease. In summary, the evidence currently available is insufficient to determine the clinical significance of this variant. It has therefore been classified as of uncertain significance (VUS-Low).

Ambry Genetics
Classification: Likely benign for Hereditary cancer-predisposing syndrome. Last evaluated: 2026-04-30. Review status: criteria provided, single submitter. Criteria: Ambry Variant Classification Scheme 2023. Collection method: clinical testing. Allele origin: germline.

Institute for Biomarker Research, Medical Diagnostic Laboratories, L.L.C.
Classification: Uncertain significance for Hereditary cancer-predisposing syndrome. Last evaluated: 2026-04-07. Review status: criteria provided, single submitter. Criteria: ACMG Guidelines, 2015. Collection method: clinical testing. Allele origin: germline.
Comment: The missense variant NM_000038.6(APC):c.6918T>A (p.Asp2306Glu) has not been reported previously as a pathogenic variant nor as a benign variant, to our knowledge (Accession: VCV000411524.30). The p.Asp2306Glu variant is observed in 1/34,538 (0.0029%) alleles from individuals of gnomAD Latino background in gnomAD. There is a small physicochemical difference between aspartic acid and glutamic acid, which is not likely to impact secondary protein structure as these residues share similar properties. For these reasons, this variant has been classified as Uncertain Significance.

PreventionGenetics, part of Exact Sciences
Classification: Uncertain significance for APC-related condition. Last evaluated: 2026-03-16. Review status: criteria provided, single submitter. Criteria: ACMG Guidelines, 2015. Collection method: clinical testing. Allele origin: germline.
Comment: The APC c.6918T>A variant is predicted to result in the amino acid substitution p.Asp2306Glu. This variant was previously reported as a variant of uncertain significance in one individual in a breast cancer cohort (Tung et al. 2014. PubMed ID: 25186627). This variant is reported in 0.0029% of alleles in individuals of Latino descent in gnomAD and is interpreted as uncertain in ClinVar (Variation ID: 411524). At this time, the clinical significance of this variant is uncertain due to the absence of conclusive functional and genetic evidence.

Quest Diagnostics Nichols Institute San Juan Capistrano
Classification: Uncertain significance. Last evaluated: 2025-09-12. Review status: criteria provided, single submitter. Criteria: Quest Diagnostics criteria. Collection method: clinical testing. Allele origin: unknown.
Comment: The APC c.6918T>A (p.Asp2306Glu) variant has been reported in the published literature in an individual with breast cancer (PMID: 25186627 (2015)). The frequency of this variant in the general population (Genome Aggregation Database) is uninformative in the assessment of its pathogenicity. Analysis of this variant using bioinformatics tools for the prediction of the effect of amino acid changes on protein structure and function yielded conflicting predictions that this variant is benign or damaging. Based on the available information, we are unable to determine the clinical significance of this variant.

Labcorp Genetics (formerly Invitae), Labcorp
Classification: Uncertain significance for Familial adenomatous polyposis 1. Last evaluated: 2025-09-05. Review status: criteria provided, single submitter. Criteria: Invitae Variant Classification Sherloc (09022015). Collection method: clinical testing. Allele origin: germline.
Comment: This sequence change replaces aspartic acid, which is acidic and polar, with glutamic acid, which is acidic and polar, at codon 2306 of the APC protein (p.Asp2306Glu). This variant is not present in population databases (gnomAD no frequency). This variant has not been reported in the literature in individuals affected with APC-related conditions. ClinVar contains an entry for this variant (Variation ID: 411524). Invitae Evidence Modeling of protein sequence and biophysical properties (such as structural, functional, and spatial information, amino acid conservation, physicochemical variation, residue mobility, and thermodynamic stability) indicates that this missense variant is not expected to disrupt APC protein function with a negative predictive value of 95%. In summary, the available evidence is currently insufficient to determine the role of this variant in disease. Therefore, it has been classified as a Variant of Uncertain Significance.

Fulgent Genetics
Classification: Uncertain significance for Colorectal cancer; Hepatocellular carcinoma; Desmoid disease, hereditary; Familial adenomatous polyposis 1; Gastric cancer; Gastric adenocarcinoma and proximal polyposis of the stomach. Last evaluated: 2024-06-14. Review status: criteria provided, single submitter. Criteria: ACMG Guidelines, 2015. Collection method: clinical testing. Allele origin: germline.

GeneDx
Classification: Uncertain significance. Last evaluated: 2024-05-24. Review status: criteria provided, single submitter. Criteria: GeneDx Variant Classification Process June 2021. Collection method: clinical testing. Allele origin: germline. Affected: yes.
Comment: Not observed at significant frequency in large population cohorts (gnomAD); In silico analysis indicates that this missense variant does not alter protein structure/function; Observed in individuals with breast cancer (PMID: 25186627); This variant is associated with the following publications: (PMID: 18199528, 25186627)

Baylor Genetics
Classification: Uncertain significance for Familial adenomatous polyposis 1. Last evaluated: 2024-03-21. Review status: criteria provided, single submitter. Criteria: ACMG Guidelines, 2015. Collection method: clinical testing. Allele origin: unknown.

All of Us Research Program, National Institutes of Health
Classification: Uncertain significance for Classic or attenuated familial adenomatous polyposis. Last evaluated: 2023-04-27. Review status: criteria provided, single submitter. Criteria: ACMG Guidelines, 2015. Collection method: clinical testing. Allele origin: germline. Inheritance: Autosomal dominant inheritance. Observed: 2 variant alleles, 2 heterozygotes.
Comment: This missense variant replaces aspartic acid with glutamic acid at codon 2306 of the APC protein. Computational prediction tool suggests that this variant may not impact protein structure and function (internally defined REVEL score threshold <=0.5, PMID: 27666373). Splice site prediction tools suggest that this variant may not impact RNA splicing. To our knowledge, functional studies have not been performed for this variant. This variant has not been reported in individuals affected with hereditary cancer in the literature. This variant has been identified in 1/251014 chromosomes in the general population by the Genome Aggregation Database (gnomAD). The available evidence is insufficient to determine the role of this variant in disease conclusively. Therefore, this variant is classified as a Variant of Uncertain Significance.

This study involves interpretation of variants in research participants for the purpose of population health screening. Participant phenotype was not available at the time of variant classification. Additional details can be found in publication PMID: 35346344, PMCID: PMC8962531

Sema4
Classification: Uncertain significance for Hereditary cancer-predisposing syndrome. Last evaluated: 2021-11-17. Review status: criteria provided, single submitter. Criteria: Sema4 Curation Guidelines. Collection method: curation. Allele origin: germline.
Comment: The APC c.6918T>A (p.D2306E) variant has been reported in at least one individual with early-onset breast cancer (PMID: 25186627). It was observed in 1/34538 chromosomes of the Latino subpopulation in the large and broad cohorts of the Genome Aggregation Database (PMID: 32461654). The variant has been reported in ClinVar (Variation ID 411524). Functional studies have not been performed, and in silico predictions of the variant's effect on protein function are inconclusive. Based on the current evidence available, this variant is interpreted as a variant of uncertain significance.

Color Diagnostics, LLC DBA Color Health
Classification: Uncertain significance for Hereditary cancer-predisposing syndrome. Last evaluated: 2019-09-24. Review status: criteria provided, single submitter. Criteria: ACMG Guidelines, 2015. Collection method: clinical testing. Allele origin: germline.
Comment: This missense variant replaces aspartic acid with glutamic acid at codon 2306 of the APC protein. Computational prediction tool suggests that this variant may not impact protein structure and function (internally defined REVEL score threshold ≤0.5, PMID: 27666373). Splice site prediction tools suggest that this variant may not impact RNA splicing. To our knowledge, functional studies have not been performed for this variant. This variant has not been reported in individuals affected with hereditary cancer in the literature. This variant has been identified in 1/251014 chromosomes in the general population by the Genome Aggregation Database (gnomAD). The available evidence is insufficient to determine the role of this variant in disease conclusively. Therefore, this variant is classified as a Variant of Uncertain Significance.

Literature cited by the submitters: PubMed 25186627 (cited by Quest Diagnostics Nichols Institute San Juan Capistrano and Sema4).